The following is an entry in ClinVar:

NM_001242896.3(DEPDC5):c.476A>G (p.Asp159Gly)

Gene: DEPDC5 (DEP domain containing 5, GATOR1 subcomplex subunit; plus strand). Cytogenetic location: 22q12.2.
Variant type: single nucleotide variant.
Coding change: c.476A>G on transcript NM_001242896.3 (MANE Select); coding-DNA position 476, A replaced by G.
Protein change: p.Asp159Gly; replaces aspartic acid 159 with glycine.
Molecular consequence: missense variant. On other transcripts: non-coding transcript variant (5).
Genome position (GRCh38, 1-based): chr22:31,778,161, A>G. VCF-style: chr22-31778161-A-G. GRCh37 (hg19) VCF-style: chr22-32174147-A-G.
Other names: c.476A>G (NM_001242896.1); c.476A>G, p.Asp159Gly (NM_001007188.4, NM_001136029.4, NM_001242897.2 and 7 more transcripts); c.392A>G, p.Asp131Gly (NM_001369901.1, NM_001369902.1); short protein forms D159G, D131G.
Identifiers: ClinVar variation 1434579 (VCV001434579.10), dbSNP rs2148329131, ClinGen allele CA411284560.

ClinVar aggregate classification (germline): Uncertain significance. Review status: criteria provided, multiple submitters, no conflicts (2 of 4 stars). 2 submissions from 2 submitters: Uncertain significance (2). Last evaluated 2025-09-25.

Conditions:
Familial focal epilepsy with variable foci (FPEVF). Identifiers: Orphanet 98820, MedGen C1858477, MONDO:0020310.

Submissions (2):

GeneDx
Classification: Uncertain significance. Last evaluated: 2025-09-25. Review status: criteria provided, single submitter. Criteria: GeneDx Variant Classification Process June 2021. Collection method: clinical testing. Allele origin: germline.
Comment: Not observed at significant frequency in large population cohorts (gnomAD); In silico analysis supports that this missense variant has a deleterious effect on protein structure/function; Has not been previously published as pathogenic or benign to our knowledge

Labcorp Genetics (formerly Invitae), Labcorp
Classification: Uncertain significance for Familial focal epilepsy with variable foci. Last evaluated: 2024-02-17. Review status: criteria provided, single submitter. Criteria: Invitae Variant Classification Sherloc (09022015). Collection method: clinical testing. Allele origin: germline.
Comment: This sequence change replaces aspartic acid, which is acidic and polar, with glycine, which is neutral and non-polar, at codon 159 of the DEPDC5 protein (p.Asp159Gly). This variant is not present in population databases (gnomAD no frequency). This variant has not been reported in the literature in individuals affected with DEPDC5-related conditions. ClinVar contains an entry for this variant (Variation ID: 1434579). Experimental studies and prediction algorithms are not available or were not evaluated, and the functional significance of this variant is currently unknown. Algorithms developed to predict the effect of sequence changes on RNA splicing suggest that this variant may create or strengthen a splice site. In summary, the available evidence is currently insufficient to determine the role of this variant in disease. Therefore, it has been classified as a Variant of Uncertain Significance.